The following is an entry in ClinVar:

ClinVar aggregate classification (germline): Likely benign. Review status: criteria provided, multiple submitters, no conflicts (2 of 4 stars). 2 submissions from 2 submitters: Likely benign (2). Last evaluated 2026-07-01.

Allele frequency attached by ClinVar (database versions not stated): gnomAD exomes below 0.00001; ExAC 0.00001.
gnomAD v4.1: 2 of 1,614,234 alleles (0.00012%); highest among the groups gnomAD compares: Non-Finnish European, 0.00017%; no homozygotes.

Submissions (2):

CeGaT Center for Human Genetics Tuebingen
Classification: Likely benign. Last evaluated: 2026-07-01. Review status: criteria provided, single submitter. Criteria: CeGaT Center For Human Genetics Tuebingen Variant Classification Criteria Version 2. Collection method: clinical testing. Allele origin: germline. Affected: yes. Observed: 1 variant allele.
Comment: NBAS: BP4, BP7

Labcorp Genetics (formerly Invitae), Labcorp
Classification: Likely benign. Last evaluated: 2025-10-27. Review status: criteria provided, single submitter. Criteria: Invitae Variant Classification Sherloc (09022015). Collection method: clinical testing. Allele origin: germline.

NM_015909.4(NBAS):c.6285C>T (p.Phe2095=)

Gene: NBAS (NBAS subunit of NRZ tethering complex; minus strand). Cytogenetic location: 2p24.3.
Variant type: single nucleotide variant.
Coding change: c.6285C>T on transcript NM_015909.4 (MANE Select); coding-DNA position 6285, C replaced by T.
Protein change: p.Phe2095=; no amino-acid change (phenylalanine 2095 retained).
Molecular consequence: synonymous variant.
Genome position (GRCh38, 1-based): chr2:15,218,920, G>A on the plus strand (C>T on the coding strand, the complement: NBAS is on the minus strand). VCF-style: chr2-15218920-G-A. GRCh37 (hg19) VCF-style: chr2-15359044-G-A.
Identifiers: ClinVar variation 1575918 (VCV001575918.9), dbSNP rs757002384, ClinGen allele CA1535051.